The following is an entry in ClinVar:

NM_019066.5(MAGEL2):c.1327G>A (p.Val443Met)

Gene: MAGEL2 (MAGE family member L2; minus strand). Cytogenetic location: 15q11.2.
Variant type: single nucleotide variant.
Coding change: c.1327G>A on transcript NM_019066.5 (MANE Select); coding-DNA position 1327, G replaced by A.
Protein change: p.Val443Met; replaces valine 443 with methionine.
Molecular consequence: missense variant.
Genome position (GRCh38, 1-based): chr15:23,646,416, C>T on the plus strand (G>A on the coding strand, the complement: MAGEL2 is on the minus strand). VCF-style: chr15-23646416-C-T. GRCh37 (hg19) VCF-style: chr15-23891563-C-T.
Other names: short protein forms V443M.
Identifiers: ClinVar variation 4536572 (VCV004536572.1).

ClinVar aggregate classification (germline): Uncertain significance (1 of 4 stars; one submission).

Submission:

GeneDx
Classification: Uncertain significance. Last evaluated: 2025-06-05. Review status: criteria provided, single submitter. Criteria: GeneDx Variant Classification Process June 2021. Collection method: clinical testing. Allele origin: germline. Affected: yes.
Comment: Not observed at significant frequency in large population cohorts (gnomAD); In-silico analysis is inconclusive as to whether the variant impacts protein structure/function. In the absence of functional studies, the actual effect of this sequence change is unknown; Has not been previously published as pathogenic or benign to our knowledge